The following is an entry in ClinVar:

NM_000548.5(TSC2):c.865G>T (p.Ala289Ser)

Gene: TSC2 (TSC complex subunit 2; plus strand). Cytogenetic location: 16p13.3.
Variant type: single nucleotide variant.
Coding change: c.865G>T on transcript NM_000548.5 (MANE Select); coding-DNA position 865, G replaced by T.
Protein change: p.Ala289Ser; replaces alanine 289 with serine.
Molecular consequence: missense variant. On other transcripts: 5 prime UTR variant (10), non-coding transcript variant (5).
Genome position (GRCh38, 1-based): chr16:2,058,763, G>T. VCF-style: chr16-2058763-G-T. GRCh37 (hg19) VCF-style: chr16-2108764-G-T.
Other names: c.865G>T, p.Ala289Ser (NM_001077183.3, NM_001114382.3, NM_001363528.2 and 6 more transcripts); c.754G>T, p.Ala252Ser (NM_001318827.2, NM_001406670.1, NM_001406678.1); c.718G>T, p.Ala240Ser (NM_001318829.2, NM_001406675.1, NM_001406676.1 and 1 more transcripts); c.265G>T, p.Ala89Ser (NM_001318831.2, NM_001406680.1, NM_001406682.1 and 6 more transcripts); c.898G>T, p.Ala300Ser (NM_001318832.2); c.955G>T, p.Ala319Ser (NM_001406667.1, NM_001406668.1); c.853G>T, p.Ala285Ser (NM_001406671.1, NM_001406673.1); c.808G>T, p.Ala270Ser (NM_001406677.1); and 4 more; short protein forms A135S, A240S, A252S, A270S, A285S, A289S, A300S, A319S.
Identifiers: ClinVar variation 4866095 (VCV004866095.1).

ClinVar aggregate classification (germline): Uncertain significance (1 of 4 stars; one submission).

Conditions:
Hereditary cancer-predisposing syndrome. Also called: Neoplastic Syndromes, Hereditary; Tumor predisposition; Hereditary Cancer Syndrome; Hereditary neoplastic syndrome. Identifiers: Orphanet 140162, MedGen C0027672, MeSH D009386, MONDO:0015356.

Submission:

Ambry Genetics
Classification: Uncertain significance for Hereditary cancer-predisposing syndrome. Last evaluated: 2026-04-22. Review status: criteria provided, single submitter. Criteria: Ambry Variant Classification Scheme 2023. Collection method: clinical testing. Allele origin: germline.
Comment: The p.A289S variant (also known as c.865G>T), located in coding exon 9 of the TSC2 gene, results from a G to T substitution at nucleotide position 865. The alanine at codon 289 is replaced by serine, an amino acid with similar properties. This amino acid position is conserved. In addition, the in silico prediction for this alteration is inconclusive. Based on the available evidence, the clinical significance of this variant remains unclear.